The following is an entry in ClinVar:

ClinVar aggregate classification (germline): Uncertain significance (1 of 4 stars; one submission).

Submission:

GeneDx
Classification: Uncertain significance. Last evaluated: 2022-12-04. Review status: criteria provided, single submitter. Criteria: GeneDx Variant Classification Process June 2021. Collection method: clinical testing. Allele origin: germline. Affected: yes.
Comment: Not observed at significant frequency in large population cohorts (gnomAD); In silico analysis supports that this missense variant has a deleterious effect on protein structure/function; Has not been previously published as pathogenic or benign to our knowledge

NM_001273.5(CHD4):c.3956G>A (p.Arg1319Gln)

Genes: CHD4 (chromodomain helicase DNA binding protein 4; minus strand), CHD4-AS1 (CHD4 antisense RNA 1; plus strand). Cytogenetic location: 12p13.31.
Variant type: single nucleotide variant.
Coding change: c.3956G>A on transcript NM_001273.5 (MANE Select); coding-DNA position 3956, G replaced by A.
Protein change: p.Arg1319Gln; replaces arginine 1319 with glutamine.
Molecular consequence: missense variant.
Genome position (GRCh38, 1-based): chr12:6,583,302, C>T on the plus strand (G>A on the coding strand, the complement: CHD4 is on the minus strand). VCF-style: chr12-6583302-C-T. GRCh37 (hg19) VCF-style: chr12-6692468-C-T.
Other names: c.3935G>A, p.Arg1312Gln (NM_001297553.2); c.3917G>A, p.Arg1306Gln (NM_001363606.2); short protein forms R1306Q, R1312Q, R1319Q.
Identifiers: ClinVar variation 2504456 (VCV002504456.1), dbSNP rs1948226908, ClinGen allele CA383577517.